The following is an entry in ClinVar:

NM_004526.4(MCM2):c.1495C>G (p.Leu499Val)

Gene: MCM2 (minichromosome maintenance complex component 2; plus strand). Cytogenetic location: 3q21.3.
Variant type: single nucleotide variant.
Coding change: c.1495C>G on transcript NM_004526.4 (MANE Select); coding-DNA position 1495, C replaced by G.
Protein change: p.Leu499Val; replaces leucine 499 with valine.
Molecular consequence: missense variant. On other transcripts: non-coding transcript variant (1).
Genome position (GRCh38, 1-based): chr3:127,615,928, C>G. VCF-style: chr3-127615928-C-G. GRCh37 (hg19) VCF-style: chr3-127334771-C-G.
Other names: short protein forms L499V.
Identifiers: ClinVar variation 2009235 (VCV002009235.4), dbSNP rs2074429666, ClinGen allele CA354389760.

ClinVar aggregate classification (germline): Uncertain significance (1 of 4 stars; one submission).

Allele frequency attached by ClinVar (database versions not stated): gnomAD exomes below 0.00001; gnomAD 0.00001.
gnomAD v4.1: 2 of 1,614,076 alleles (0.00012%); highest among the groups gnomAD compares: African/African-American, 0.0013%; no homozygotes.

Submission:

Labcorp Genetics (formerly Invitae), Labcorp
Classification: Uncertain significance. Last evaluated: 2022-07-06. Review status: criteria provided, single submitter. Criteria: Invitae Variant Classification Sherloc (09022015). Collection method: clinical testing. Allele origin: germline.
Comment: This sequence change replaces leucine, which is neutral and non-polar, with valine, which is neutral and non-polar, at codon 499 of the MCM2 protein (p.Leu499Val). Algorithms developed to predict the effect of missense changes on protein structure and function are either unavailable or do not agree on the potential impact of this missense change (SIFT: "Deleterious"; PolyPhen-2: "Possibly Damaging"; Align-GVGD: "Class C0"). In summary, the available evidence is currently insufficient to determine the role of this variant in disease. Therefore, it has been classified as a Variant of Uncertain Significance. This variant is not present in population databases (gnomAD no frequency). This variant has not been reported in the literature in individuals affected with MCM2-related conditions.